The following is an entry in ClinVar:

ClinVar aggregate classification (germline): Uncertain significance (1 of 4 stars; one submission).

Conditions:
Genitopatellar syndrome (GTPTS). Also called: ABSENT PATELLAE, SCROTAL HYPOPLASIA, RENAL ANOMALIES, FACIAL DYSMORPHISM, AND MENTAL RETARDATION; Genitopatellar syndrome (GPS). Identifiers: Orphanet 85201, MedGen C1853566, MONDO:0011640, OMIM 606170.

Allele frequency attached by ClinVar (database versions not stated): gnomAD exomes 0.00001.
gnomAD v4.1: 11 of 1,614,042 alleles (0.00068%); highest among the groups gnomAD compares: South Asian, 0.0011%; no homozygotes.

Submission:

Labcorp Genetics (formerly Invitae), Labcorp
Classification: Uncertain significance for Genitopatellar syndrome. Last evaluated: 2024-02-15. Review status: criteria provided, single submitter. Criteria: Invitae Variant Classification Sherloc (09022015). Collection method: clinical testing. Allele origin: germline.
Comment: This sequence change replaces serine, which is neutral and polar, with asparagine, which is neutral and polar, at codon 797 of the KAT6B protein (p.Ser797Asn). This variant is present in population databases (no rsID available, gnomAD 0.003%). This variant has not been reported in the literature in individuals affected with KAT6B-related conditions. Advanced modeling of protein sequence and biophysical properties (such as structural, functional, and spatial information, amino acid conservation, physicochemical variation, residue mobility, and thermodynamic stability) has been performed at Invitae for this missense variant, however the output from this modeling did not meet the statistical confidence thresholds required to predict the impact of this variant on KAT6B protein function. In summary, the available evidence is currently insufficient to determine the role of this variant in disease. Therefore, it has been classified as a Variant of Uncertain Significance.

NM_012330.4(KAT6B):c.2390G>A (p.Ser797Asn)

Gene: KAT6B (lysine acetyltransferase 6B; plus strand). Cytogenetic location: 10q22.2.
Variant type: single nucleotide variant.
Coding change: c.2390G>A on transcript NM_012330.4 (MANE Select); coding-DNA position 2390, G replaced by A.
Protein change: p.Ser797Asn; replaces serine 797 with asparagine.
Molecular consequence: missense variant. On other transcripts: intron variant (4).
Genome position (GRCh38, 1-based): chr10:74,985,096, G>A. VCF-style: chr10-74985096-G-A. GRCh37 (hg19) VCF-style: chr10-76744854-G-A.
Other names: c.1841G>A, p.Ser614Asn (NM_001256468.2, NM_001370138.1); c.1514G>A, p.Ser505Asn (NM_001256469.2, NM_001370139.1, NM_001370140.1 and 2 more transcripts); c.2390G>A, p.Ser797Asn (NM_001370136.1, NM_001370137.1); c.1325G>A, p.Ser442Asn (NM_001370143.1, NM_001370144.1); c.847-3923G>A (NM_001370133.1); c.450+3168G>A (NM_001370134.1); c.1497+3168G>A (NM_001370132.1); c.193-3923G>A (NM_001370135.1); short protein forms S442N, S505N, S797N, S614N.
Identifiers: ClinVar variation 2721265 (VCV002721265.3), dbSNP rs949515731, ClinGen allele CA209707094.